The following is an entry in ClinVar:

NM_006459.4(ERLIN1):c.1037G>A (p.Ser346Asn)

Gene: ERLIN1 (ER lipid raft associated 1; minus strand). Cytogenetic location: 10q24.31.
Variant type: single nucleotide variant.
Coding change: c.1037G>A on transcript NM_006459.4 (MANE Select); coding-DNA position 1037, G replaced by A.
Protein change: p.Ser346Asn; replaces serine 346 with asparagine.
Molecular consequence: missense variant. On other transcripts: non-coding transcript variant (6).
Genome position (GRCh38, 1-based): chr10:100,152,141, C>T on the plus strand (G>A on the coding strand, the complement: ERLIN1 is on the minus strand). VCF-style: chr10-100152141-C-T. GRCh37 (hg19) VCF-style: chr10-101911898-C-T.
Other names: c.1037G>A, p.Ser346Asn (NM_001100626.2, NM_001347857.2, NM_001347859.2 and 2 more transcripts); c.785G>A, p.Ser262Asn (NM_001347856.2); c.557G>A, p.Ser186Asn (NM_001347858.2); short protein forms S262N, S346N, S186N.
Identifiers: ClinVar variation 1473777 (VCV001473777.4), dbSNP rs369725736, ClinGen allele CA5645938.

ClinVar aggregate classification (germline): Uncertain significance (1 of 4 stars; one submission).

Conditions:
Hereditary spastic paraplegia 62. Also called: Spastic paraplegia 62, autosomal recessive. Identifiers: Orphanet 401785, MedGen C4284588, MONDO:0014302, OMIM 615681.

Allele frequency attached by ClinVar (database versions not stated): gnomAD 0.00003; gnomAD exomes 0.00006 and 0.00009; ExAC 0.00007; ESP Exome Variant Server 0.00008; TOPMed 0.00009.
gnomAD v4.1: 136 of 1,608,972 alleles (0.0085%); highest among the groups gnomAD compares: Non-Finnish European, 0.011%; no homozygotes.

Submission:

Labcorp Genetics (formerly Invitae), Labcorp
Classification: Uncertain significance for Hereditary spastic paraplegia 62. Last evaluated: 2021-09-24. Review status: criteria provided, single submitter. Criteria: Invitae Variant Classification Sherloc (09022015). Collection method: clinical testing. Allele origin: germline.
Comment: In summary, the available evidence is currently insufficient to determine the role of this variant in disease. Therefore, it has been classified as a Variant of Uncertain Significance. Algorithms developed to predict the effect of missense changes on protein structure and function output the following: SIFT: "Tolerated"; PolyPhen-2: "Benign"; Align-GVGD: "Class C0". The asparagine amino acid residue is found in multiple mammalian species, which suggests that this missense change does not adversely affect protein function. This variant has not been reported in the literature in individuals affected with ERLIN1-related conditions. This variant is present in population databases (rs369725736, ExAC 0.01%). This sequence change replaces serine with asparagine at codon 346 of the ERLIN1 protein (p.Ser346Asn). The serine residue is weakly conserved and there is a small physicochemical difference between serine and asparagine.